The following is an entry in ClinVar:

ClinVar aggregate classification (germline): Pathogenic (1 of 4 stars; one submission).

Submission:

Labcorp Genetics (formerly Invitae), Labcorp
Classification: Pathogenic. Last evaluated: 2025-09-15. Review status: criteria provided, single submitter. Criteria: Invitae Variant Classification Sherloc (09022015). Collection method: clinical testing. Allele origin: germline.
Comment: This sequence change creates a premature translational stop signal (p.Cys194Valfs*20) in the C8A gene. It is expected to result in an absent or disrupted protein product. Loss-of-function variants in C8A are known to be pathogenic (PMID: 9759902). This variant is not present in population databases (gnomAD no frequency). This variant has not been reported in the literature in individuals affected with C8A-related conditions. ClinVar contains an entry for this variant (Variation ID: 2968639). For these reasons, this variant has been classified as Pathogenic.

Literature cited by the submitters: PubMed 9759902.

NM_000562.3(C8A):c.579del (p.Cys194fs)

Gene: C8A (complement C8 alpha chain; plus strand). Cytogenetic location: 1p32.2.
Variant type: Deletion.
Coding change: c.579del on transcript NM_000562.3 (MANE Select); coding-DNA position 579, one base deleted (C; older notation c.579delC).
Protein change: p.Cys194fs; shifts the reading frame from cysteine 194.
Molecular consequence: frameshift variant.
Genome position (GRCh38, 1-based): chr1:56,881,559, C deleted; the last of 2 consecutive C bases (chr1:56,881,558-56,881,559); deleting either gives the same sequence. VCF-style (leftmost placement, unchanged base first): chr1-56881557-AC-A. GRCh37 (hg19) VCF-style: chr1-57347230-AC-A.
Other names: short protein forms C194fs.
Identifiers: ClinVar variation 2968639 (VCV002968639.3), dbSNP rs1228972002, ClinGen allele CA737189067.
Genomic context (GRCh38, chr1:56,881,557, plus strand): 5'-TATGGGGGCCAGTGTGAGACGGTATACAATGGGGAATGGAGGGAGCTTCGATATGACTCC[AC>A]CTGTGAACGTCTCTACTATGGAGATGATGAGAAATACTTTCGGAAACCCTACAACTTTCT-3'